The following is an entry in ClinVar:

NM_001099274.3(TINF2):c.503A>G (p.Gln168Arg)

Gene: TINF2 (TERF1 interacting nuclear factor 2; minus strand). Cytogenetic location: 14q12.
Variant type: single nucleotide variant.
Coding change: c.503A>G on transcript NM_001099274.3 (MANE Select); coding-DNA position 503, A replaced by G.
Protein change: p.Gln168Arg; replaces glutamine 168 with arginine.
Molecular consequence: missense variant.
Genome position (GRCh38, 1-based): chr14:24,241,208, T>C on the plus strand (A>G on the coding strand, the complement: TINF2 is on the minus strand). VCF-style: chr14-24241208-T-C. GRCh37 (hg19) VCF-style: chr14-24710414-T-C.
Other names: c.398A>G, p.Gln133Arg (NM_001363668.2); c.503A>G, p.Gln168Arg (NM_012461.3); c.503A>G (NM_001099274.1); short protein forms Q133R, Q168R.
Identifiers: ClinVar variation 977087 (VCV000977087.2), dbSNP rs749849244, ClinGen allele CA7130647.

ClinVar aggregate classification (germline): Uncertain significance. Review status: criteria provided, multiple submitters, no conflicts (2 of 4 stars). 2 submissions from 2 submitters: Uncertain significance (2). Last evaluated 2021-11-20.

Conditions:
Dyskeratosis congenita, autosomal dominant 3. Identifiers: MedGen C3151445, MONDO:0013522, OMIM 613990.
Dyskeratosis congenita. Identifiers: Orphanet 1775, MedGen C0265965, MONDO:0015780.

Allele frequency attached by ClinVar (database versions not stated): gnomAD exomes below 0.00001; ExAC 0.00001; gnomAD 0.00001; TOPMed 0.00001.
gnomAD v4.1: 1 of 1,614,070 alleles (0.000062%); highest among the groups gnomAD compares: African/African-American, 0.0013%; no homozygotes.

Submissions (2):

Sema4
Classification: Uncertain significance for Dyskeratosis congenita. Last evaluated: 2021-11-20. Review status: criteria provided, single submitter. Criteria: Sema4 Curation Guidelines. Collection method: curation. Allele origin: germline.
Comment: The TINF2 c.503A>G (p.Q168R) variant has not been reported in the literature to our knowledge. It was observed in 1/249582 chromosomes across subpopulations, in the large and broad cohorts of the Genome Aggregation Database (PMID: 32461654). The variant has been reported in ClinVar (Variation ID 977087). In silico tools suggest the impact of the variant on protein function is benign, though these predictions have not been confirmed by functional studies. The evidence is insufficient to meet ACMG/AMP criteria for classifying the variant as benign or pathogenic. Thus, the clinical significance of this variant is currently uncertain.

Johns Hopkins Genomics, Johns Hopkins University
Classification: Uncertain significance for Dyskeratosis congenita, autosomal dominant 3. Last evaluated: 2020-06-01. Review status: criteria provided, single submitter. Criteria: ACMG Guidelines, 2015. Collection method: clinical testing. Allele origin: germline.
Comment: TINF2 c.503A>G has not been reported in the literature nor ClinVar, to our knowledge. This variant (rs749849244) is rare (<0.1%) in a large population dataset (gnomAD: 1/249582 total alleles; 0.0004%; no homozygotes). Of three bioinformatics tools queried, one predicts that the substitution would be damaging, while two predict that it would be tolerated. The glutamine residue at this position is highly evolutionarily conserved across most species assessed. Due to insufficient evidence, we consider the clinical significance of c.503A>G to be uncertain at this time.